The following is an entry in ClinVar:

NM_016239.4(MYO15A):c.749C>G (p.Ser250Ter)

Gene: MYO15A (myosin XVA; plus strand). Cytogenetic location: 17p11.2.
Variant type: single nucleotide variant.
Coding change: c.749C>G on transcript NM_016239.4 (MANE Select); coding-DNA position 749, C replaced by G.
Protein change: p.Ser250Ter; replaces serine 250 with a stop codon.
Molecular consequence: nonsense.
Genome position (GRCh38, 1-based): chr17:18,119,549, C>G. VCF-style: chr17-18119549-C-G. GRCh37 (hg19) VCF-style: chr17-18022863-C-G.
Other names: short protein forms S250*.
Identifiers: ClinVar variation 2753878 (VCV002753878.3), dbSNP rs1196915574, ClinGen allele CA398575676.

ClinVar aggregate classification (germline): Pathogenic (1 of 4 stars; one submission).

Submission:

Labcorp Genetics (formerly Invitae), Labcorp
Classification: Pathogenic. Last evaluated: 2023-08-18. Review status: criteria provided, single submitter. Criteria: Invitae Variant Classification Sherloc (09022015). Collection method: clinical testing. Allele origin: germline.
Comment: For these reasons, this variant has been classified as Pathogenic. This variant has not been reported in the literature in individuals affected with MYO15A-related conditions. This variant is not present in population databases (gnomAD no frequency). This sequence change creates a premature translational stop signal (p.Ser250*) in the MYO15A gene. It is expected to result in an absent or disrupted protein product. Loss-of-function variants in MYO15A are known to be pathogenic (PMID: 17546645).

Literature cited by the submitters: PubMed 17546645.